The following is an entry in ClinVar:

ClinVar aggregate classification (germline): Uncertain significance (1 of 4 stars; one submission).

Submission:

Labcorp Genetics (formerly Invitae), Labcorp
Classification: Uncertain significance. Last evaluated: 2024-06-10. Review status: criteria provided, single submitter. Criteria: Invitae Variant Classification Sherloc (09022015). Collection method: clinical testing. Allele origin: germline.
Comment: This sequence change replaces cysteine, which is neutral and slightly polar, with arginine, which is basic and polar, at codon 930 of the SETD5 protein (p.Cys930Arg). This variant is not present in population databases (gnomAD no frequency). This variant has not been reported in the literature in individuals affected with SETD5-related conditions. Advanced modeling of protein sequence and biophysical properties (such as structural, functional, and spatial information, amino acid conservation, physicochemical variation, residue mobility, and thermodynamic stability) performed at Invitae indicates that this missense variant is not expected to disrupt SETD5 protein function with a negative predictive value of 80%. In summary, the available evidence is currently insufficient to determine the role of this variant in disease. Therefore, it has been classified as a Variant of Uncertain Significance.

NM_001080517.3(SETD5):c.2788T>C (p.Cys930Arg)

Gene: SETD5 (SET domain containing 5; plus strand). Cytogenetic location: 3p25.3.
Variant type: single nucleotide variant.
Coding change: c.2788T>C on transcript NM_001080517.3 (MANE Select); coding-DNA position 2788, T replaced by C.
Protein change: p.Cys930Arg; replaces cysteine 930 with arginine.
Molecular consequence: missense variant.
Genome position (GRCh38, 1-based): chr3:9,470,522, T>C. VCF-style: chr3-9470522-T-C. GRCh37 (hg19) VCF-style: chr3-9512206-T-C.
Other names: c.2494T>C, p.Cys832Arg (NM_001292043.2, NM_001349451.2); short protein forms C832R, C930R.
Identifiers: ClinVar variation 3677804 (VCV003677804.2).